The following is an entry in ClinVar:

NM_002187.3(IL12B):c.30G>A (p.Trp10Ter)

Gene: IL12B (interleukin 12B; minus strand). Cytogenetic location: 5q33.3.
Variant type: single nucleotide variant.
Coding change: c.30G>A on transcript NM_002187.3 (MANE Select); coding-DNA position 30, G replaced by A.
Protein change: p.Trp10Ter; replaces tryptophan 10 with a stop codon.
Molecular consequence: nonsense.
Genome position (GRCh38, 1-based): chr5:159,326,753, C>T on the plus strand (G>A on the coding strand, the complement: IL12B is on the minus strand). VCF-style: chr5-159326753-C-T. GRCh37 (hg19) VCF-style: chr5-158753761-C-T.
Other names: short protein forms W10*.
Identifiers: ClinVar variation 847134 (VCV000847134.7), dbSNP rs763190982, ClinGen allele CA3538904.

ClinVar aggregate classification (germline): Pathogenic (1 of 4 stars; one submission).

Conditions:
Mendelian susceptibility to mycobacterial diseases due to complete IL12B deficiency. Also called: Immunodeficiency 29; IL12B DEFICIENCY. Identifiers: Orphanet 319558, MedGen C4013948, MONDO:0013954, OMIM 614890.

gnomAD v4.1: 2 of 1,612,484 alleles (0.00012%); highest among the groups gnomAD compares: Non-Finnish European, 0.00017%; no homozygotes.

Submission:

Labcorp Genetics (formerly Invitae), Labcorp
Classification: Pathogenic for Mendelian susceptibility to mycobacterial diseases due to complete IL12B deficiency. Last evaluated: 2019-05-15. Review status: criteria provided, single submitter. Criteria: Invitae Variant Classification Sherloc (09022015). Collection method: clinical testing. Allele origin: germline.
Comment: This sequence change creates a premature translational stop signal (p.Trp10*) in the IL12B gene. It is expected to result in an absent or disrupted protein product. This variant is present in population databases (rs763190982, ExAC 0.001%). This variant has not been reported in the literature in individuals with IL12B-related conditions. Loss-of-function variants in IL12B are known to be pathogenic (PMID: 11753820, 23429356). For these reasons, this variant has been classified as Pathogenic.

Literature cited by the submitters: PubMed 11753820; PubMed 23429356.